The following is an entry in ClinVar:

NM_001354930.2(RIPK1):c.464C>G (p.Ala155Gly)

Gene: RIPK1 (receptor interacting serine/threonine kinase 1; plus strand). Cytogenetic location: 6p25.2.
Variant type: single nucleotide variant.
Coding change: c.464C>G on transcript NM_001354930.2 (MANE Select); coding-DNA position 464, C replaced by G.
Protein change: p.Ala155Gly; replaces alanine 155 with glycine.
Molecular consequence: missense variant. On other transcripts: 5 prime UTR variant (4).
Genome position (GRCh38, 1-based): chr6:3,083,089, C>G. VCF-style: chr6-3083089-C-G. GRCh37 (hg19) VCF-style: chr6-3083323-C-G.
Other names: c.-26C>G (NM_001317061.3, NM_001354932.2, NM_001354933.2 and 1 more transcripts); c.326C>G, p.Ala109Gly (NM_001354931.2); c.464C>G, p.Ala155Gly (NM_003804.6); short protein forms A155G, A109G.
Identifiers: ClinVar variation 1029753 (VCV001029753.1), dbSNP rs1759490149, ClinGen allele CA362578206.
Genomic context (GRCh38, chr6:3,083,089, plus strand): 5'-TCTGATTTGCTTACGGCCTTCACCAAACAATCCCAGTGGCTCAATGTCTTTCGCAGATCG[C>G]AGACCTCGGCCTTGCCTCCTTTAAGATGTGGAGCAAACTGAATAATGAAGAGCACAATGA-3'
Protein context (NP_001341859.1, residues 145-165): LVDNDFHIKI[Ala155Gly]DLGLASFKMW

ClinVar aggregate classification (germline): Uncertain significance (1 of 4 stars; one submission).

Conditions:
Immunodeficiency 57. Also called: IMMUNODEFICIENCY 57 WITH AUTOINFLAMMATION. Identifiers: MedGen C4748212, MONDO:0020849, OMIM 618108.

Allele frequency attached by ClinVar (database versions not stated): gnomAD exomes below 0.00001; TOPMed below 0.00001.

Submission:

Baylor Genetics
Classification: Uncertain significance for Immunodeficiency 57. Last evaluated: 2019-09-06. Review status: criteria provided, single submitter. Criteria: ACMG Guidelines, 2015. Collection method: clinical testing. Allele origin: unknown. Affected: yes.
Comment: This variant was determined to be of uncertain significance according to ACMG Guidelines, 2015 [PMID:25741868].